The following is an entry in ClinVar:

NM_003978.5(PSTPIP1):c.1028G>T (p.Gly343Val)

Gene: PSTPIP1 (proline-serine-threonine phosphatase interacting protein 1; plus strand). Cytogenetic location: 15q24.3.
Variant type: single nucleotide variant.
Coding change: c.1028G>T on transcript NM_003978.5 (MANE Select); coding-DNA position 1028, G replaced by T.
Protein change: p.Gly343Val; replaces glycine 343 with valine.
Molecular consequence: missense variant. On other transcripts: non-coding transcript variant (1).
Genome position (GRCh38, 1-based): chr15:77,035,844, G>T. VCF-style: chr15-77035844-G-T. GRCh37 (hg19) VCF-style: chr15-77328185-G-T.
Other names: c.971G>T, p.Gly324Val (NM_001321135.2); c.1001G>T, p.Gly334Val (NM_001321136.2); c.1223G>T, p.Gly408Val (NM_001321137.1); c.1019G>T, p.Gly340Val (NM_001411086.1); short protein forms G343V, G340V, G334V, G324V, G408V.
Identifiers: ClinVar variation 4692952 (VCV004692952.1).

ClinVar aggregate classification (germline): Uncertain significance (1 of 4 stars; one submission).

Conditions:
Pyogenic arthritis-pyoderma gangrenosum-acne syndrome (PAPA). Also called: FAMILIAL RECURRENT ARTHRITIS; PAPA SYNDROME. Identifiers: Orphanet 69126, MedGen C1858361, MONDO:0011462, OMIM 604416.

gnomAD v4.1: 1 of 1,610,542 alleles (0.000062%); highest among the groups gnomAD compares: Non-Finnish European, 0.000085%; no homozygotes.

Submission:

Labcorp Genetics (formerly Invitae), Labcorp
Classification: Uncertain significance for Pyogenic arthritis-pyoderma gangrenosum-acne syndrome. Last evaluated: 2025-04-26. Review status: criteria provided, single submitter. Criteria: Invitae Variant Classification Sherloc (09022015). Collection method: clinical testing. Allele origin: germline.
Comment: This sequence change replaces glycine, which is neutral and non-polar, with valine, which is neutral and non-polar, at codon 343 of the PSTPIP1 protein (p.Gly343Val). This variant is not present in population databases (gnomAD no frequency). This variant has not been reported in the literature in individuals affected with PSTPIP1-related conditions. Invitae Evidence Modeling of protein sequence and biophysical properties (such as structural, functional, and spatial information, amino acid conservation, physicochemical variation, residue mobility, and thermodynamic stability) indicates that this missense variant is not expected to disrupt PSTPIP1 protein function with a negative predictive value of 80%. In summary, the available evidence is currently insufficient to determine the role of this variant in disease. Therefore, it has been classified as a Variant of Uncertain Significance.